The following is an entry in ClinVar:

NM_000525.4(KCNJ11):c.-134G>T

Gene: KCNJ11 (potassium inwardly rectifying channel subfamily J member 11; minus strand). Cytogenetic location: 11p15.1.
Variant type: single nucleotide variant.
Coding change: c.-134G>T on transcript NM_000525.4 (MANE Select); 134 bases upstream of the start codon, G replaced by T.
Molecular consequence: 5 prime UTR variant. On other transcripts: intron variant (3).
Genome position (GRCh38, 1-based): chr11:17,388,225, C>A on the plus strand (G>T on the coding strand, the complement: KCNJ11 is on the minus strand). VCF-style: chr11-17388225-C-A. GRCh37 (hg19) VCF-style: chr11-17409772-C-A.
Other names: c.-16-379G>T (NM_001166290.2, NM_001377297.1); c.-75-149G>T (NM_001377296.1).
Identifiers: ClinVar variation 8674 (VCV000008674.5), dbSNP rs387906398, ClinGen allele CA254519.

ClinVar aggregate classification (germline): Uncertain significance. Review status: criteria provided, multiple submitters, no conflicts (2 of 4 stars). 4 submissions from 4 submitters: Uncertain significance (3). 1 of the submissions does not count toward it. Last evaluated 2024-10-28.

Conditions:
Maturity-onset diabetes of the young (MODY). Also called: Maturity onset diabetes mellitus in young. Identifiers: Orphanet 552, MedGen C0342276, MONDO:0018911, HP:0004904.
Hyperinsulinemic hypoglycemia, familial, 2. Also called: HYPERINSULINEMIC HYPOGLYCEMIA, PERSISTENT; HYPERINSULINISM, NEONATAL. Identifiers: Orphanet 276580, Orphanet 276603, MedGen C2931833, MONDO:0011153, OMIM 601820. Disease mechanism: loss of function.

Submissions (4):

Women's Health and Genetics/Laboratory Corporation of America, LabCorp
Classification: Uncertain significance. Last evaluated: 2024-10-28. Review status: criteria provided, single submitter. Criteria: LabCorp Variant Classification Summary - May 2015. Collection method: clinical testing. Allele origin: germline.
Comment: Variant summary: KCNJ11 c.-134G>T is located in the untranslated mRNA region upstream of the initiation codon. The variant was absent in 720856 control chromosomes. The available data on variant occurrences in the general population are insufficient to allow any conclusion about variant significance. While this variant has been cited by HGMD and reported with alternate/historical nomenclature as "+88g>t" (PMID: 15579781), we were unable to independently confirm the identity of the variant as c.-134G>T using available data. To our knowledge, no occurrence of c.-134G>T in individuals affected with Congenital Hyperinsulinism and no experimental evidence demonstrating its impact on protein function have been reported. ClinVar contains an entry for this variant (Variation ID: 8674). Based on the evidence outlined above, the variant was classified as uncertain significance.

Labcorp Genetics (formerly Invitae), Labcorp
Classification: Uncertain significance. Last evaluated: 2021-07-14. Review status: criteria provided, single submitter. Criteria: Invitae Variant Classification Sherloc (09022015). Collection method: clinical testing. Allele origin: germline.
Comment: This variant occurs in a non-coding region of the KCNJ11 gene. It does not change the encoded amino acid sequence of the KCNJ11 protein. This variant has been observed in individual(s) with hyperinsulinism (PMID: 15579781). ClinVar contains an entry for this variant (Variation ID: 8674). Algorithms developed to predict the effect of variants on protein structure and function are not available or were not evaluated for this variant. Experimental studies have shown that this variant affects KCNJ11 protein function (PMID: 15579781). In summary, the available evidence is currently insufficient to determine the role of this variant in disease. Therefore, it has been classified as a Variant of Uncertain Significance.

Clinical Genomics, Uppaluri K&H Personalized Medicine Clinic
Classification: Uncertain significance for Maturity-onset diabetes of the young. Review status: criteria provided, single submitter. Criteria: K&H Uppaluri Personalized Medicine Clinic Variant Classification & Assertion Criteria. Collection method: research. Allele origin: somatic. Inheritance: Autosomal dominant inheritance.
Comment: Mutations in KCNJ11 gene can cause decreased production and secretion of insulin. This can lead to MODY which may be responsive to oral sulfonylureas. It is also associated with Neonatal Diabetes. However, no sufficient evidence is found to ascertain the role of rs387906398 variant in MODY yet.

OMIM
Classification: Pathogenic for HYPERINSULINEMIC HYPOGLYCEMIA, FAMILIAL, 2. Last evaluated: 2004-12-01. Review status: no assertion criteria provided. Collection method: literature only. Allele origin: germline. Not counted in ClinVar's aggregate classification.

Literature cited by the submitters: PubMed 15579781 (cited by Labcorp Genetics (formerly Invitae), Labcorp and OMIM); PubMed 26448950 (cited by Clinical Genomics, Uppaluri K&H Personalized Medicine Clinic); PubMed 15580558 (cited by Clinical Genomics, Uppaluri K&H Personalized Medicine Clinic); PubMed 15718250 (cited by Clinical Genomics, Uppaluri K&H Personalized Medicine Clinic); PubMed 32935446 (cited by Clinical Genomics, Uppaluri K&H Personalized Medicine Clinic); PubMed 22701567 (cited by Clinical Genomics, Uppaluri K&H Personalized Medicine Clinic).